The following is an entry in ClinVar:

ClinVar aggregate classification (germline): Conflicting classifications of pathogenicity. Review status: criteria provided, conflicting classifications (1 of 4 stars). 7 submissions from 7 submitters: Uncertain significance (2); Benign (1); Likely benign (2). 2 of the submissions do not count toward it. Last evaluated 2026-06-01.

Conditions:
STAR-related disorder. Also called: STAR-related condition.
Congenital lipoid adrenal hyperplasia due to STAR deficency. Also called: ADRENAL HYPERPLASIA I; Congenital Lipoid Adrenal Hyperplasia; Lipoid adrenal hyperplasia; Cholesterol monooxygenase (side-chain cleaving) deficiency. Identifiers: Orphanet 418, Orphanet 90790, MedGen C0342474, MONDO:0008725, OMIM 201710.

Allele frequency attached by ClinVar (database versions not stated): 1000 Genomes Project 30x 0.00062; 1000 Genomes Project 0.00080; ESP Exome Variant Server 0.00115; ExAC 0.00158; gnomAD exomes 0.00172; gnomAD 0.00193; TOPMed 0.00217.
gnomAD v4.1: 4,063 of 1,614,024 alleles (0.25%); highest among the groups gnomAD compares: Non-Finnish European, 0.31%; 10 homozygotes.

Submissions (7):

CeGaT Center for Human Genetics Tuebingen
Classification: Likely benign. Last evaluated: 2026-06-01. Review status: criteria provided, single submitter. Criteria: CeGaT Center For Human Genetics Tuebingen Variant Classification Criteria Version 2. Collection method: clinical testing. Allele origin: germline. Affected: yes. Observed: 6 variant alleles.
Comment: STAR: BS2

Labcorp Genetics (formerly Invitae), Labcorp
Classification: Benign. Last evaluated: 2026-02-04. Review status: criteria provided, single submitter. Criteria: Invitae Variant Classification Sherloc (09022015). Collection method: clinical testing. Allele origin: germline.

Blueprint Genetics
Classification: Likely benign. Last evaluated: 2024-11-27. Review status: criteria provided, single submitter. Criteria: ACMG Guidelines, 2015. Collection method: clinical testing. Allele origin: germline.

Genome-Nilou Lab
Classification: Uncertain significance for Congenital lipoid adrenal hyperplasia due to STAR deficency. Last evaluated: 2021-05-18. Review status: criteria provided, single submitter. Criteria: ACMG Guidelines, 2015. Collection method: clinical testing. Allele origin: germline. Affected: no.

Illumina Laboratory Services, Illumina
Classification: Uncertain significance for Congenital lipoid adrenal hyperplasia due to STAR deficency. Last evaluated: 2018-01-13. Review status: criteria provided, single submitter. Criteria: ICSL Variant Classification Criteria 13 December 2019. Collection method: clinical testing. Allele origin: germline.

PreventionGenetics, part of Exact Sciences
Classification: Likely benign for STAR-related condition. Last evaluated: 2021-11-11. Review status: no assertion criteria provided. Collection method: clinical testing. Allele origin: germline. Not counted in ClinVar's aggregate classification.
Comment: This variant is classified as likely benign based on ACMG/AMP sequence variant interpretation guidelines (Richards et al. 2015 PMID: 25741868, with internal and published modifications).

Natera, Inc.
Classification: Likely benign for Congenital lipoid adrenal hyperplasia. Last evaluated: 2020-06-11. Review status: no assertion criteria provided. Collection method: clinical testing. Allele origin: germline. Not counted in ClinVar's aggregate classification.

NM_000349.3(STAR):c.361C>T (p.Arg121Trp)

Gene: STAR (steroidogenic acute regulatory protein; minus strand). Cytogenetic location: 8p11.23.
Variant type: single nucleotide variant.
Coding change: c.361C>T on transcript NM_000349.3 (MANE Select); coding-DNA position 361, C replaced by T.
Protein change: p.Arg121Trp; replaces arginine 121 with tryptophan.
Molecular consequence: missense variant.
Genome position (GRCh38, 1-based): chr8:38,146,393, G>A on the plus strand (C>T on the coding strand, the complement: STAR is on the minus strand). VCF-style: chr8-38146393-G-A. GRCh37 (hg19) VCF-style: chr8-38003911-G-A.
Other names: short protein forms R121W.
Identifiers: ClinVar variation 362847 (VCV000362847.61), dbSNP rs34908868, ClinGen allele CA4715265.
Genomic context (GRCh38, chr8:38,146,393, plus strand): 5'-TGCGCTCCACGAGCTCTTCATAGAGCCTCTCCATGGGCTGGTCCACCACGACCTCCAGCC[G>A]GAACACCTTGCCCACATCTGGGACCACTTTACTCATCACTTTGTCCCCATTGTCCTGTCA-3'
Protein context (NP_000340.2, residues 111-131): KVVPDVGKVF[Arg121Trp]LEVVVDQPME